The following is an entry in ClinVar:

ClinVar aggregate classification (germline): Likely benign. Review status: criteria provided, multiple submitters, no conflicts (2 of 4 stars). 2 submissions from 2 submitters: Likely benign (2). Last evaluated 2025-08-04.

Conditions:
SREBF1-related disorder. Also called: SREBF1-related condition.

Allele frequency attached by ClinVar (database versions not stated): ExAC 0.00057; TOPMed 0.00011; gnomAD 0.00012 and 0.00013; 1000 Genomes Project 30x 0.00031; gnomAD exomes 0.00031; 1000 Genomes Project 0.00040.
gnomAD v4.1: 123 of 1,572,864 alleles (0.0078%); highest among the groups gnomAD compares: East Asian, 0.22%; 2 homozygotes.

Submissions (2):

PreventionGenetics, part of Exact Sciences
Classification: Likely benign for SREBF1-related condition. Last evaluated: 2025-08-04. Review status: criteria provided, single submitter. Criteria: ACMG Guidelines, 2015. Collection method: clinical testing. Allele origin: germline.
Comment: This variant is classified as likely benign based on ACMG/AMP sequence variant interpretation guidelines (Richards et al. 2015 PMID: 25741868, with internal and published modifications).

Labcorp Genetics (formerly Invitae), Labcorp
Classification: Likely benign. Last evaluated: 2018-08-20. Review status: criteria provided, single submitter. Criteria: Invitae Variant Classification Sherloc (09022015). Collection method: clinical testing. Allele origin: germline.

NM_004176.5(SREBF1):c.2681C>T (p.Ala894Val)

Gene: SREBF1 (sterol regulatory element binding transcription factor 1; minus strand). Cytogenetic location: 17p11.2.
Variant type: single nucleotide variant.
Coding change: c.2681C>T on transcript NM_004176.5 (MANE Select); coding-DNA position 2681, C replaced by T.
Protein change: p.Ala894Val; replaces alanine 894 with valine.
Molecular consequence: missense variant. On other transcripts: non-coding transcript variant (4).
Genome position (GRCh38, 1-based): chr17:17,814,669, G>A on the plus strand (C>T on the coding strand, the complement: SREBF1 is on the minus strand). VCF-style: chr17-17814669-G-A. GRCh37 (hg19) VCF-style: chr17-17717983-G-A.
Other names: c.2771C>T, p.Ala924Val (NM_001005291.3); c.2609C>T, p.Ala870Val (NM_001321096.3); c.2768C>T, p.Ala923Val (NM_001388385.1); c.2681C>T, p.Ala894Val (NM_001388386.1); c.2720C>T, p.Ala907Val (NM_001388387.1); c.2636C>T, p.Ala879Val (NM_001388388.1); c.2675C>T, p.Ala892Val (NM_001388389.1); c.2663C>T, p.Ala888Val (NM_001388390.1); and 5 more; short protein forms A870V, A894V, A924V, A750V, A767V, A820V, A879V, A885V.
Identifiers: ClinVar variation 740150 (VCV000740150.4), dbSNP rs576886028, ClinGen allele CA8419573.